The following is an entry in ClinVar:

NM_001286611.2(REPS1):c.832C>T (p.Pro278Ser)

Gene: REPS1 (RALBP1 associated Eps domain containing 1; minus strand). Cytogenetic location: 6q24.1.
Variant type: single nucleotide variant.
Coding change: c.832C>T on transcript NM_001286611.2 (MANE Select); coding-DNA position 832, C replaced by T.
Protein change: p.Pro278Ser; replaces proline 278 with serine.
Molecular consequence: missense variant.
Genome position (GRCh38, 1-based): chr6:138,943,937, G>A on the plus strand (C>T on the coding strand, the complement: REPS1 is on the minus strand). VCF-style: chr6-138943937-G-A. GRCh37 (hg19) VCF-style: chr6-139265074-G-A.
Other names: c.832C>T, p.Pro278Ser (NM_001128617.3, NM_001286612.2, NM_031922.5); short protein forms P278S.
Identifiers: ClinVar variation 2543901 (VCV002543901.5), dbSNP rs371776621, ClinGen allele CA4024350.
Genomic context (GRCh38, chr6:138,943,937, plus strand): 5'-GCTGAATGGTTTTAAACTGATTTACATAATACTGTCTTTGTTCATCTGTTATTTTCCAGG[G>A]ATCATCATAACTACTGGATTGCCTACGAATTTCAATGGCAGTTGTAGCTGATGCTACAGT-3'
Protein context (NP_001273540.1, residues 268-288): IRRQSSSYDD[Pro278Ser]WKITDEQRQY

ClinVar aggregate classification (germline): Uncertain significance. Review status: criteria provided, multiple submitters, no conflicts (2 of 4 stars). 2 submissions from 2 submitters: Uncertain significance (2). Last evaluated 2025-06-07.

Allele frequency attached by ClinVar (database versions not stated): ExAC 0.00002; gnomAD 0.00004; TOPMed 0.00004; ESP Exome Variant Server 0.00008.
gnomAD v4.1: 242 of 1,613,380 alleles (0.015%); highest among the groups gnomAD compares: Non-Finnish European, 0.02%; no homozygotes.

Submissions (2):

Ambry Genetics
Classification: Uncertain significance. Last evaluated: 2025-06-07. Review status: criteria provided, single submitter. Criteria: Ambry Variant Classification Scheme 2023. Collection method: clinical testing. Allele origin: germline.

Labcorp Genetics (formerly Invitae), Labcorp
Classification: Uncertain significance. Last evaluated: 2024-11-13. Review status: criteria provided, single submitter. Criteria: Invitae Variant Classification Sherloc (09022015). Collection method: clinical testing. Allele origin: germline.
Comment: This sequence change replaces proline, which is neutral and non-polar, with serine, which is neutral and polar, at codon 278 of the REPS1 protein (p.Pro278Ser). This variant is present in population databases (rs371776621, gnomAD 0.009%). This variant has not been reported in the literature in individuals affected with REPS1-related conditions. ClinVar contains an entry for this variant (Variation ID: 2543901). Invitae Evidence Modeling of protein sequence and biophysical properties (such as structural, functional, and spatial information, amino acid conservation, physicochemical variation, residue mobility, and thermodynamic stability) indicates that this missense variant is expected to disrupt REPS1 protein function with a positive predictive value of 80%. In summary, the available evidence is currently insufficient to determine the role of this variant in disease. Therefore, it has been classified as a Variant of Uncertain Significance.